The following is an entry in ClinVar:

NM_001145358.2(SIN3A):c.3346C>T (p.Arg1116Cys)

Gene: SIN3A (SIN3 transcription regulator family member A; minus strand). Cytogenetic location: 15q24.2.
Variant type: single nucleotide variant.
Coding change: c.3346C>T on transcript NM_001145358.2 (MANE Select); coding-DNA position 3346, C replaced by T.
Protein change: p.Arg1116Cys; replaces arginine 1116 with cysteine.
Molecular consequence: missense variant.
Genome position (GRCh38, 1-based): chr15:75,380,666, G>A on the plus strand (C>T on the coding strand, the complement: SIN3A is on the minus strand). VCF-style: chr15-75380666-G-A. GRCh37 (hg19) VCF-style: chr15-75673007-G-A.
Other names: c.3346C>T, p.Arg1116Cys (NM_001145357.2, NM_015477.3); short protein forms R1116C.
Identifiers: ClinVar variation 1342453 (VCV001342453.1), dbSNP rs760200525, ClinGen allele CA7667273.

ClinVar aggregate classification (germline): Uncertain significance (1 of 4 stars; one submission).

Conditions:
SIN3A-related intellectual disability syndrome due to a point mutation. Also called: WITTEVEEN-KOLK SYNDROME; 15q24 Microdeletion Syndrome. Identifiers: Orphanet 500166, Orphanet 94065, MedGen C4310804, MONDO:0044700, OMIM 613406.

Allele frequency attached by ClinVar (database versions not stated): gnomAD exomes below 0.00001 and 0.00001; ExAC 0.00001.
gnomAD v4.1: 10 of 1,614,050 alleles (0.00062%); highest among the groups gnomAD compares: Non-Finnish European, 0.00085%; no homozygotes.

Submission:

New York Genome Center
Classification: Uncertain significance for SIN3A-related intellectual disability syndrome due to a point mutation. Last evaluated: 2021-04-16. Review status: criteria provided, single submitter. Criteria: NYGC Assertion Criteria 2020. Collection method: clinical testing. Allele origin: inherited. Observed: 1 heterozygote. Study: CSER-NYCKidSeq.
Comment: The inherited heterozygous c.3346C>T (p.Arg1116Cys) variant identified in the SIN3A gene has not been reported in affected individuals in the literature. The variant is absent from gnomAD(v3) database suggestingit is not a common benign variant in the populations represented in that database. The variant affects an evolutionarily conserved residue and is predicted deleterious by multiple in silico prediction tools. Given the lack of compelling evidence for its pathogenicity, the inherited heterozygous c.3346C>T (p.Arg1116Cys) variant identified in the SIN3A gene is reported as a variant of uncertain significance.